The following is an entry in ClinVar:

ClinVar aggregate classification (germline): Uncertain significance (1 of 4 stars; one submission).

Submission:

Ambry Genetics
Classification: Uncertain significance. Last evaluated: 2023-09-06. Review status: criteria provided, single submitter. Criteria: Ambry Variant Classification Scheme 2023. Collection method: clinical testing. Allele origin: germline.
Comment: The p.F693I variant (also known as c.2077T>A), located in coding exon 13 of the POLQ gene, results from a T to A substitution at nucleotide position 2077. The phenylalanine at codon 693 is replaced by isoleucine, an amino acid with highly similar properties. This amino acid position is conserved. In addition, the in silico prediction for this alteration is inconclusive. Since supporting evidence is limited at this time, the clinical significance of this alteration remains unclear.

NM_199420.4(POLQ):c.2077T>A (p.Phe693Ile)

Gene: POLQ (DNA polymerase theta; minus strand). Cytogenetic location: 3q13.33.
Variant type: single nucleotide variant.
Coding change: c.2077T>A on transcript NM_199420.4 (MANE Select); coding-DNA position 2077, T replaced by A.
Protein change: p.Phe693Ile; replaces phenylalanine 693 with isoleucine.
Molecular consequence: missense variant.
Genome position (GRCh38, 1-based): chr3:121,498,553, A>T on the plus strand (T>A on the coding strand, the complement: POLQ is on the minus strand). VCF-style: chr3-121498553-A-T. GRCh37 (hg19) VCF-style: chr3-121217400-A-T.
Other names: short protein forms F693I.
Identifiers: ClinVar variation 2625875 (VCV002625875.2), dbSNP rs2546794735, ClinGen allele CA354110189.